The following is an entry in ClinVar:

ClinVar aggregate classification (germline): Uncertain significance. Review status: criteria provided, multiple submitters, no conflicts (2 of 4 stars). 3 submissions from 3 submitters: Uncertain significance (3). Last evaluated 2025-04-02.

Conditions:
Classic or attenuated familial adenomatous polyposis. Identifiers: MedGen CN372698, MONDO:0021057.
Hereditary cancer-predisposing syndrome. Also called: Hereditary Cancer Syndrome; Hereditary neoplastic syndrome; Neoplastic Syndromes, Hereditary; Tumor predisposition. Identifiers: Orphanet 140162, MedGen C0027672, MeSH D009386, MONDO:0015356.
Familial adenomatous polyposis 1 (FAP1). Also called: FAMILIAL ADENOMATOUS POLYPOSIS 1, ATTENUATED; POLYPOSIS, ADENOMATOUS INTESTINAL. Identifiers: MedGen C2713442, MONDO:0021056, OMIM 175100. Disease mechanism: loss of function.

gnomAD v4.1: 1 of 1,608,582 alleles (0.000062%); no homozygotes.

Submissions (3):

Ambry Genetics
Classification: Uncertain significance for Hereditary cancer-predisposing syndrome. Last evaluated: 2025-04-02. Review status: criteria provided, single submitter. Criteria: Ambry Variant Classification Scheme 2023. Collection method: clinical testing. Allele origin: germline.
Comment: The p.E70G variant (also known as c.209A>G), located in coding exon 2 of the APC gene, results from an A to G substitution at nucleotide position 209. The glutamic acid at codon 70 is replaced by glycine, an amino acid with similar properties. This amino acid position is highly conserved in available vertebrate species. In addition, in silico predictors for this gene do not accurately predict pathogenicity. Missense alterations in APC are not a common cause of disease (Spier I et al. Genet Med. 2024 Feb;26(2):100992). Based on the available evidence, the clinical significance of this variant remains unclear.

Labcorp Genetics (formerly Invitae), Labcorp
Classification: Uncertain significance for Familial adenomatous polyposis 1. Last evaluated: 2024-10-20. Review status: criteria provided, single submitter. Criteria: Invitae Variant Classification Sherloc (09022015). Collection method: clinical testing. Allele origin: germline.
Comment: This sequence change replaces glutamic acid, which is acidic and polar, with glycine, which is neutral and non-polar, at codon 70 of the APC protein (p.Glu70Gly). This variant is not present in population databases (gnomAD no frequency). This variant has not been reported in the literature in individuals affected with APC-related conditions. ClinVar contains an entry for this variant (Variation ID: 216154). Invitae Evidence Modeling of protein sequence and biophysical properties (such as structural, functional, and spatial information, amino acid conservation, physicochemical variation, residue mobility, and thermodynamic stability) indicates that this missense variant is not expected to disrupt APC protein function with a negative predictive value of 95%. In summary, the available evidence is currently insufficient to determine the role of this variant in disease. Therefore, it has been classified as a Variant of Uncertain Significance.

All of Us Research Program, National Institutes of Health
Classification: Uncertain significance for Classic or attenuated familial adenomatous polyposis. Last evaluated: 2023-10-06. Review status: criteria provided, single submitter. Criteria: ACMG Guidelines, 2015. Collection method: clinical testing. Allele origin: germline. Inheritance: Autosomal dominant inheritance. Observed: 1 variant allele, 1 heterozygote.
Comment: This missense variant replaces glutamic acid with glycine at codon 70 of the APC protein. Computational prediction suggests that this variant may not impact protein structure and function (internally defined REVEL score threshold <= 0.5, PMID: 27666373). To our knowledge, functional studies have not been reported for this variant. This variant has not been reported in individuals affected with APC-related disorders in the literature. This variant has not been identified in the general population by the Genome Aggregation Database (gnomAD). The available evidence is insufficient to determine the role of this variant in disease conclusively. Therefore, this variant is classified as a Variant of Uncertain Significance.

This study involves interpretation of variants in research participants for the purpose of population health screening. Participant phenotype was not available at the time of variant classification. Additional details can be found in publication PMID: 35346344, PMCID: PMC8962531

NM_000038.6(APC):c.209A>G (p.Glu70Gly)

Gene: APC (APC regulator of Wnt signaling pathway; plus strand). Cytogenetic location: 5q22.2.
Variant type: single nucleotide variant.
Coding change: c.209A>G on transcript NM_000038.6 (MANE Select); coding-DNA position 209, A replaced by G.
Protein change: p.Glu70Gly; replaces glutamic acid 70 with glycine.
Molecular consequence: missense variant. On other transcripts: 5 prime UTR variant (1).
Genome position (GRCh38, 1-based): chr5:112,766,399, A>G. VCF-style: chr5-112766399-A-G. GRCh37 (hg19) VCF-style: chr5-112102096-A-G.
Other names: c.209A>G, p.Glu70Gly (NM_001127510.3, NM_001354895.2, NM_001354896.2 and 2 more transcripts); c.239A>G, p.Glu80Gly (NM_001127511.3, NM_001354897.2, NM_001354902.2); c.134A>G, p.Glu45Gly (NM_001354898.2, NM_001354904.2); c.32A>G, p.Glu11Gly (NM_001354900.2, NM_001354901.2, NM_001354905.2); c.-827A>G (NM_001354906.2); short protein forms E70G, E80G, E45G, E11G.
Identifiers: ClinVar variation 216154 (VCV000216154.12), dbSNP rs863224539, ClinGen allele CA336960.